The following is an entry in ClinVar:

ClinVar aggregate classification (germline): Uncertain significance (1 of 4 stars; one submission).

Submission:

Labcorp Genetics (formerly Invitae), Labcorp
Classification: Uncertain significance. Last evaluated: 2025-02-15. Review status: criteria provided, single submitter. Criteria: Invitae Variant Classification Sherloc (09022015). Collection method: clinical testing. Allele origin: germline.
Comment: This sequence change replaces methionine, which is neutral and non-polar, with isoleucine, which is neutral and non-polar, at codon 93 of the GLYCTK protein (p.Met93Ile). This variant is not present in population databases (gnomAD no frequency). This variant has not been reported in the literature in individuals affected with GLYCTK-related conditions. Invitae Evidence Modeling of protein sequence and biophysical properties (such as structural, functional, and spatial information, amino acid conservation, physicochemical variation, residue mobility, and thermodynamic stability) indicates that this missense variant is expected to disrupt GLYCTK protein function with a positive predictive value of 80%. In summary, the available evidence is currently insufficient to determine the role of this variant in disease. Therefore, it has been classified as a Variant of Uncertain Significance.

NM_145262.4(GLYCTK):c.279G>A (p.Met93Ile)

Gene: GLYCTK (glycerate kinase; plus strand). Cytogenetic location: 3p21.2.
Variant type: single nucleotide variant.
Coding change: c.279G>A on transcript NM_145262.4 (MANE Select); coding-DNA position 279, G replaced by A.
Protein change: p.Met93Ile; replaces methionine 93 with isoleucine.
Molecular consequence: missense variant. On other transcripts: non-coding transcript variant (5).
Genome position (GRCh38, 1-based): chr3:52,290,621, G>A. VCF-style: chr3-52290621-G-A. GRCh37 (hg19) VCF-style: chr3-52324637-G-A.
Other names: c.279G>A, p.Met93Ile (NM_001144951.2, NM_001437621.1, NM_001437622.1); short protein forms M93I.
Identifiers: ClinVar variation 4812106 (VCV004812106.1).